The following is an entry in ClinVar:

ClinVar aggregate classification (germline): Uncertain significance (1 of 4 stars; one submission).

Conditions:
Hereditary nonpolyposis colorectal neoplasms. Identifiers: MedGen C0009405, MeSH D003123.

Submission:

Labcorp Genetics (formerly Invitae), Labcorp
Classification: Uncertain significance for Hereditary nonpolyposis colorectal neoplasms. Last evaluated: 2025-01-23. Review status: criteria provided, single submitter. Criteria: Invitae Variant Classification Sherloc (09022015). Collection method: clinical testing. Allele origin: germline.
Comment: This sequence change replaces glutamic acid, which is acidic and polar, with aspartic acid, which is acidic and polar, at codon 204 of the MSH6 protein (p.Glu204Asp). This variant is not present in population databases (gnomAD no frequency). This variant has not been reported in the literature in individuals affected with MSH6-related conditions. Invitae Evidence Modeling of protein sequence and biophysical properties (such as structural, functional, and spatial information, amino acid conservation, physicochemical variation, residue mobility, and thermodynamic stability) indicates that this missense variant is not expected to disrupt MSH6 protein function with a negative predictive value of 95%. In summary, the available evidence is currently insufficient to determine the role of this variant in disease. Therefore, it has been classified as a Variant of Uncertain Significance.

NM_000179.3(MSH6):c.612G>T (p.Glu204Asp)

Gene: MSH6 (mutS homolog 6; plus strand). Cytogenetic location: 2p16.3.
Variant type: single nucleotide variant.
Coding change: c.612G>T on transcript NM_000179.3 (MANE Select); coding-DNA position 612, G replaced by T.
Protein change: p.Glu204Asp; replaces glutamic acid 204 with aspartic acid.
Molecular consequence: missense variant. On other transcripts: 5 prime UTR variant (2), non-coding transcript variant (5), intron variant (8).
Genome position (GRCh38, 1-based): chr2:47,796,048, G>T. VCF-style: chr2-47796048-G-T. GRCh37 (hg19) VCF-style: chr2-48023187-G-T.
Other names: c.612G>T, p.Glu204Asp (NM_001406803.1, NM_001406808.1, NM_001406809.1 and 5 more transcripts); c.534G>T, p.Glu178Asp (NM_001406804.1); c.315G>T, p.Glu105Asp (NM_001406805.1, NM_001406818.1, NM_001406819.1 and 10 more transcripts); c.87G>T, p.Glu29Asp (NM_001406806.1, NM_001406807.1, NM_001406799.1); c.618G>T, p.Glu206Asp (NM_001406813.1); c.-383G>T (NM_001406814.1); c.444G>T, p.Glu148Asp (NM_001406826.1); c.-279-2563G>T (NM_001406811.1, NM_001281493.2, NM_001406812.1 and 4 more transcripts); and 3 more; short protein forms E105D, E206D, E148D, E178D, E236D, E29D, E204D.
Identifiers: ClinVar variation 3633910 (VCV003633910.2).